The following is an entry in ClinVar:

ClinVar aggregate classification (germline): Uncertain significance. Review status: criteria provided, multiple submitters, no conflicts (2 of 4 stars). 2 submissions from 2 submitters: Uncertain significance (2). Last evaluated 2024-01-27.

Conditions:
Hereditary cancer-predisposing syndrome. Also called: Hereditary Cancer Syndrome; Hereditary neoplastic syndrome; Neoplastic Syndromes, Hereditary; Tumor predisposition. Identifiers: Orphanet 140162, MedGen C0027672, MeSH D009386, MONDO:0015356.
Hereditary nonpolyposis colorectal neoplasms. Identifiers: MedGen C0009405, MeSH D003123.

Submissions (2):

Labcorp Genetics (formerly Invitae), Labcorp
Classification: Uncertain significance for Hereditary nonpolyposis colorectal neoplasms. Last evaluated: 2024-01-27. Review status: criteria provided, single submitter. Criteria: Invitae Variant Classification Sherloc (09022015). Collection method: clinical testing. Allele origin: germline.
Comment: This sequence change replaces leucine, which is neutral and non-polar, with glutamine, which is neutral and polar, at codon 449 of the MSH6 protein (p.Leu449Gln). This variant is not present in population databases (gnomAD no frequency). This variant has not been reported in the literature in individuals affected with MSH6-related conditions. ClinVar contains an entry for this variant (Variation ID: 1770483). Advanced modeling of protein sequence and biophysical properties (such as structural, functional, and spatial information, amino acid conservation, physicochemical variation, residue mobility, and thermodynamic stability) performed at Invitae indicates that this missense variant is expected to disrupt MSH6 protein function with a positive predictive value of 80%. This variant disrupts the p.Leu449 amino acid residue in MSH6. Other variant(s) that disrupt this residue have been determined to be pathogenic (PMID: 16283884). This suggests that this residue is clinically significant, and that variants that disrupt this residue are likely to be disease-causing. In summary, the available evidence is currently insufficient to determine the role of this variant in disease. Therefore, it has been classified as a Variant of Uncertain Significance.

Ambry Genetics
Classification: Uncertain significance for Hereditary cancer-predisposing syndrome. Last evaluated: 2020-06-04. Review status: criteria provided, single submitter. Criteria: Ambry Variant Classification Scheme 2023. Collection method: clinical testing. Allele origin: germline.
Comment: The p.L449Q variant (also known as c.1346T>A), located in coding exon 4 of the MSH6 gene, results from a T to A substitution at nucleotide position 1346. The leucine at codon 449 is replaced by glutamine, an amino acid with dissimilar properties. Based on internal structural analysis, the variant is moderately destabilizing to the local structure and near an interface with DNA (Warren JJ et al. Mol. Cell, 2007 May;26:579-92). This amino acid position is highly conserved in available vertebrate species. In addition, this alteration is predicted to be deleterious by in silico analysis. Since supporting evidence is limited at this time, the clinical significance of this alteration remains unclear.

Literature cited by the submitters: PubMed 16283884 (cited by Labcorp Genetics (formerly Invitae), Labcorp); PubMed 17531815 (cited by Ambry Genetics).

NM_000179.3(MSH6):c.1346T>A (p.Leu449Gln)

Gene: MSH6 (mutS homolog 6; plus strand). Cytogenetic location: 2p16.3.
Variant type: single nucleotide variant.
Coding change: c.1346T>A on transcript NM_000179.3 (MANE Select); coding-DNA position 1346, T replaced by A.
Protein change: p.Leu449Gln; replaces leucine 449 with glutamine.
Molecular consequence: missense variant.
Genome position (GRCh38, 1-based): chr2:47,799,329, T>A. VCF-style: chr2-47799329-T-A. GRCh37 (hg19) VCF-style: chr2-48026468-T-A.
Other names: c.956T>A, p.Leu319Gln (NM_001281492.2); c.440T>A, p.Leu147Gln (NM_001281493.2, NM_001281494.2, NM_001406811.1 and 6 more transcripts); c.1442T>A, p.Leu481Gln (NM_001406795.1, NM_001406802.1); c.1346T>A, p.Leu449Gln (NM_001406796.1, NM_001406798.1, NM_001406800.1 and 4 more transcripts); c.1049T>A, p.Leu350Gln (NM_001406797.1, NM_001406801.1, NM_001406805.1 and 10 more transcripts); c.821T>A, p.Leu274Gln (NM_001406799.1, NM_001406806.1, NM_001406807.1); c.1268T>A, p.Leu423Gln (NM_001406804.1); c.1352T>A, p.Leu451Gln (NM_001406813.1); and 1 more; short protein forms L147Q, L451Q, L319Q, L481Q, L274Q, L350Q, L393Q, L423Q.
Identifiers: ClinVar variation 1770483 (VCV001770483.3), dbSNP rs63750741, ClinGen allele CA346744611.